The following is an entry in ClinVar:

ClinVar aggregate classification (germline): Uncertain significance (1 of 4 stars; one submission).

Conditions:
Alacrima, achalasia, and impaired intellectual development syndrome. Also called: Alacrima, achalasia, and mental retardation syndrome; Alacrima, achalasia, and intellectual disability syndrome. Identifiers: Orphanet 869, MedGen C4706563, MONDO:0014219, OMIM 615510.

Allele frequency attached by ClinVar (database versions not stated): gnomAD exomes 0.00001; TOPMed 0.00001.

Submission:

Labcorp Genetics (formerly Invitae), Labcorp
Classification: Uncertain significance for Alacrima, achalasia, and impaired intellectual development syndrome. Last evaluated: 2020-10-19. Review status: criteria provided, single submitter. Criteria: Invitae Variant Classification Sherloc (09022015). Collection method: clinical testing. Allele origin: germline.
Comment: This variant is not present in population databases (ExAC no frequency). This variant has not been reported in the literature in individuals with GMPPA-related conditions. Algorithms developed to predict the effect of missense changes on protein structure and function (SIFT, PolyPhen-2, Align-GVGD) all suggest that this variant is likely to be tolerated, but these predictions have not been confirmed by published functional studies and their clinical significance is uncertain. In summary, the available evidence is currently insufficient to determine the role of this variant in disease. Therefore, it has been classified as a Variant of Uncertain Significance. This sequence change replaces aspartic acid with asparagine at codon 267 of the GMPPA protein (p.Asp267Asn). The aspartic acid residue is weakly conserved and there is a small physicochemical difference between aspartic acid and asparagine.

NM_013335.4(GMPPA):c.799G>A (p.Asp267Asn)

Genes: ASIC4-AS1 (ASIC4 antisense RNA 1; minus strand), GMPPA (GDP-mannose pyrophosphorylase A; plus strand). Cytogenetic location: 2q35.
Variant type: single nucleotide variant.
Coding change: c.799G>A on transcript NM_013335.4 (MANE Select); coding-DNA position 799, G replaced by A.
Protein change: p.Asp267Asn; replaces aspartic acid 267 with asparagine.
Molecular consequence: missense variant.
Genome position (GRCh38, 1-based): chr2:219,505,501, G>A. VCF-style: chr2-219505501-G-A. GRCh37 (hg19) VCF-style: chr2-220370223-G-A.
Other names: c.799G>A, p.Asp267Asn (NM_001374294.1, NM_001374295.1, NM_205847.3); short protein forms D267N.
Identifiers: ClinVar variation 1007274 (VCV001007274.9), dbSNP rs1382726525, ClinGen allele CA350735591.